The following is an entry in ClinVar:

NM_001039141.3(TRIOBP):c.6959A>G (p.Lys2320Arg)

Gene: TRIOBP (TRIO and F-actin binding protein; plus strand). Cytogenetic location: 22q13.1.
Variant type: single nucleotide variant.
Coding change: c.6959A>G on transcript NM_001039141.3 (MANE Select); coding-DNA position 6959, A replaced by G.
Protein change: p.Lys2320Arg; replaces lysine 2320 with arginine.
Molecular consequence: missense variant.
Genome position (GRCh38, 1-based): chr22:37,772,623, A>G. VCF-style: chr22-37772623-A-G. GRCh37 (hg19) VCF-style: chr22-38168630-A-G.
Other names: c.1820A>G, p.Lys607Arg (NM_007032.5); short protein forms K2320R, K607R.
Identifiers: ClinVar variation 1803317 (VCV001803317.16), dbSNP rs199707997, ClinGen allele CA10225307.

ClinVar aggregate classification (germline): Uncertain significance. Review status: criteria provided, multiple submitters, no conflicts (2 of 4 stars). 2 submissions from 2 submitters: Uncertain significance (2). Last evaluated 2024-10-01.

Allele frequency attached by ClinVar (database versions not stated): ExAC 0.00001; gnomAD exomes 0.00001; gnomAD 0.00002; TOPMed 0.00002.
gnomAD v4.1: 24 of 1,614,032 alleles (0.0015%); highest among the groups gnomAD compares: African/African-American, 0.0027%; no homozygotes.

Submissions (2):

CeGaT Center for Human Genetics Tuebingen
Classification: Uncertain significance. Last evaluated: 2024-10-01. Review status: criteria provided, single submitter. Criteria: CeGaT Center For Human Genetics Tuebingen Variant Classification Criteria Version 2. Collection method: clinical testing. Allele origin: germline. Affected: yes. Observed: 1 variant allele.
Comment: TRIOBP: PM2

GeneDx
Classification: Uncertain significance. Last evaluated: 2024-08-06. Review status: criteria provided, single submitter. Criteria: GeneDx Variant Classification Process June 2021. Collection method: clinical testing. Allele origin: germline.
Comment: Not observed at significant frequency in large population cohorts (gnomAD); In silico analysis indicates that this missense variant does not alter protein structure/function; Has not been previously published as pathogenic or benign to our knowledge